The following is an entry in ClinVar:

ClinVar aggregate classification (germline): Uncertain significance. Review status: criteria provided, multiple submitters, no conflicts (2 of 4 stars). 2 submissions from 2 submitters: Uncertain significance (2). Last evaluated 2024-03-08.

Conditions:
Joubert syndrome 3 (JBTS3). Also called: AHI1-related Ciliopathy. Identifiers: Orphanet 220493, MedGen C1837713, MONDO:0012078, OMIM 608629.
Joubert syndrome. Also called: Familial aplasia of the vermis; CEREBELLOPARENCHYMAL DISORDER IV; JOUBERT-BOLTSHAUSER SYNDROME. Identifiers: Orphanet 475, MedGen C5979921, MONDO:0018772.

Allele frequency attached by ClinVar (database versions not stated): gnomAD 0.00001; gnomAD exomes 0.00001; TOPMed 0.00001.
gnomAD v4.1: 13 of 1,561,720 alleles (0.00083%); highest among the groups gnomAD compares: Admixed American, 0.0038%; no homozygotes.

Submissions (2):

Fulgent Genetics
Classification: Uncertain significance for Joubert syndrome 3. Last evaluated: 2024-03-08. Review status: criteria provided, single submitter. Criteria: ACMG Guidelines, 2015. Collection method: clinical testing. Allele origin: germline.

Labcorp Genetics (formerly Invitae), Labcorp
Classification: Uncertain significance for Joubert syndrome. Last evaluated: 2022-08-23. Review status: criteria provided, single submitter. Criteria: Invitae Variant Classification Sherloc (09022015). Collection method: clinical testing. Allele origin: germline.
Comment: This sequence change replaces arginine, which is basic and polar, with tryptophan, which is neutral and slightly polar, at codon 472 of the AHI1 protein (p.Arg472Trp). The frequency data for this variant in the population databases is considered unreliable, as metrics indicate poor data quality at this position in the gnomAD database. This variant has not been reported in the literature in individuals affected with AHI1-related conditions. ClinVar contains an entry for this variant (Variation ID: 939721). Advanced modeling of protein sequence and biophysical properties (such as structural, functional, and spatial information, amino acid conservation, physicochemical variation, residue mobility, and thermodynamic stability) performed at Invitae indicates that this missense variant is expected to disrupt AHI1 protein function. In summary, the available evidence is currently insufficient to determine the role of this variant in disease. Therefore, it has been classified as a Variant of Uncertain Significance.

NM_001134831.2(AHI1):c.1414C>T (p.Arg472Trp)

Gene: AHI1 (Abelson helper integration site 1; minus strand). Cytogenetic location: 6q23.3.
Variant type: single nucleotide variant.
Coding change: c.1414C>T on transcript NM_001134831.2 (MANE Select); coding-DNA position 1414, C replaced by T.
Protein change: p.Arg472Trp; replaces arginine 472 with tryptophan.
Molecular consequence: missense variant.
Genome position (GRCh38, 1-based): chr6:135,453,367, G>A on the plus strand (C>T on the coding strand, the complement: AHI1 is on the minus strand). VCF-style: chr6-135453367-G-A. GRCh37 (hg19) VCF-style: chr6-135774505-G-A.
Other names: c.1414C>T, p.Arg472Trp (NM_001134830.2, NM_001134832.2, NM_001350503.2 and 2 more transcripts); short protein forms R472W.
Identifiers: ClinVar variation 939721 (VCV000939721.5), dbSNP rs969178984, ClinGen allele CA148139961.